The following is an entry in ClinVar:

NM_001267550.2(TTN):c.91260T>C (p.Val30420=)

Genes: TTN-AS1 (TTN antisense RNA 1; plus strand), TTN (titin; minus strand). Cytogenetic location: 2q31.2.
Variant type: single nucleotide variant.
Coding change: c.91260T>C on transcript NM_001267550.2 (MANE Select); coding-DNA position 91260, T replaced by C.
Protein change: p.Val30420=; no amino-acid change (valine 30420 retained).
Molecular consequence: synonymous variant.
Genome position (GRCh38, 1-based): chr2:178,551,640, A>G on the plus strand (T>C on the coding strand, the complement: TTN is on the minus strand). VCF-style: chr2-178551640-A-G. GRCh37 (hg19) VCF-style: chr2-179416367-A-G.
Other names: c.86337T>C, p.Val28779= (NM_001256850.1); c.64065T>C, p.Val21355= (NM_003319.4); c.83556T>C, p.Val27852= (NM_133378.4); c.64440T>C, p.Val21480= (NM_133432.3); c.64641T>C, p.Val21547= (NM_133437.4).
Identifiers: ClinVar variation 669036 (VCV000669036.6), dbSNP rs1208748409, ClinGen allele CA430103995.
Genomic context (GRCh38, chr2:178,551,640, plus strand): 5'-CTAATATGTTCAATTGCTAAACTAAATGTATTTGAATAATAATCACTTACCTACTGGAGA[A>G]ACAGCTAAGGTAAATTTGCTTGGGTCACTAGGTGAGCTTAGGCCAGCAGAATTTTCAGCA-3'
Protein context (NP_001254479.2, residues 30410-30430): PSDPSKFTLA[Val30420=]SPVDPPGTPD

ClinVar aggregate classification (germline): Likely benign. Review status: criteria provided, multiple submitters, no conflicts (2 of 4 stars). 3 submissions from 3 submitters: Likely benign (3). Last evaluated 2025-04-06.

Conditions:
Cardiovascular phenotype. Identifiers: MedGen CN230736.
Dilated cardiomyopathy 1G (CMD1G). Identifiers: Orphanet 154, MedGen C1858763, MONDO:0011400, OMIM 604145.
Autosomal recessive limb-girdle muscular dystrophy type 2J (LGMDR10). Also called: MUSCULAR DYSTROPHY, LIMB-GIRDLE, AUTOSOMAL RECESSIVE 10; Limb-girdle muscular dystrophy, type 2J. Identifiers: Orphanet 140922, MedGen C1837342, MONDO:0012127, OMIM 608807.

Allele frequency attached by ClinVar (database versions not stated): gnomAD exomes below 0.00001.
gnomAD v4.1: 6 of 1,578,952 alleles (0.00038%); highest among the groups gnomAD compares: Admixed American, 0.0018%; no homozygotes.

Submissions (3):

Labcorp Genetics (formerly Invitae), Labcorp
Classification: Likely benign for Dilated cardiomyopathy 1G; Autosomal recessive limb-girdle muscular dystrophy type 2J. Last evaluated: 2025-04-06. Review status: criteria provided, single submitter. Criteria: Invitae Variant Classification Sherloc (09022015). Collection method: clinical testing. Allele origin: germline.

Ambry Genetics
Classification: Likely benign for Cardiovascular phenotype. Last evaluated: 2020-08-30. Review status: criteria provided, single submitter. Criteria: Ambry Variant Classification Scheme 2023. Collection method: clinical testing. Allele origin: germline.

GeneDx
Classification: Likely benign. Last evaluated: 2018-05-22. Review status: criteria provided, single submitter. Criteria: GeneDx Variant Classification (06012015). Collection method: clinical testing. Allele origin: germline. Affected: yes.
Comment: This variant is considered likely benign or benign based on one or more of the following criteria: it is a conservative change, it occurs at a poorly conserved position in the protein, it is predicted to be benign by multiple in silico algorithms, and/or has population frequency not consistent with disease.